The following is an entry in ClinVar:

ClinVar aggregate classification (germline): Uncertain significance (1 of 4 stars; one submission).

Conditions:
SIM1-related disorder. Also called: SIM1-related condition; SIM1-related disorders.

gnomAD v4.1: 4 of 1,614,062 alleles (0.00025%); highest among the groups gnomAD compares: Admixed American, 0.005%; no homozygotes.

Submission:

PreventionGenetics, part of Exact Sciences
Classification: Uncertain significance for SIM1-related condition. Last evaluated: 2025-03-07. Review status: criteria provided, single submitter. Criteria: ACMG Guidelines, 2015. Collection method: clinical testing. Allele origin: germline.
Comment: The SIM1 c.2141C>G variant is predicted to result in the amino acid substitution p.Thr714Ser. To our knowledge, this variant has not been reported in the literature or in a large population database (gnomAD), indicating this variant is rare. At this time, the clinical significance of this variant is uncertain due to the absence of conclusive functional and genetic evidence.

NM_005068.3(SIM1):c.2141C>G (p.Thr714Ser)

Gene: SIM1 (SIM bHLH transcription factor 1; minus strand). Cytogenetic location: 6q16.3.
Variant type: single nucleotide variant.
Coding change: c.2141C>G on transcript NM_005068.3 (MANE Select); coding-DNA position 2141, C replaced by G.
Protein change: p.Thr714Ser; replaces threonine 714 with serine.
Molecular consequence: missense variant.
Genome position (GRCh38, 1-based): chr6:100,390,521, G>C on the plus strand (C>G on the coding strand, the complement: SIM1 is on the minus strand). VCF-style: chr6-100390521-G-C. GRCh37 (hg19) VCF-style: chr6-100838397-G-C.
Other names: c.2141C>G, p.Thr714Ser (NM_001374769.1); short protein forms T714S.
Identifiers: ClinVar variation 4978912 (VCV004978912.1).